The following is an entry in ClinVar:

NM_001453.3(FOXC1):c.796dup (p.Ser266fs)

Gene: FOXC1 (forkhead box C1; plus strand). Cytogenetic location: 6p25.3.
Variant type: Duplication.
Coding change: c.796dup on transcript NM_001453.3 (MANE Select); coding-DNA position 796, one base duplicated (A; older notation c.796dupA).
Protein change: p.Ser266fs; shifts the reading frame from serine 266.
Molecular consequence: frameshift variant.
Genome position (GRCh38, 1-based): chr6:1,611,241, A duplicated. VCF-style (leftmost placement, unchanged base first): chr6-1611240-C-CA. GRCh37 (hg19) VCF-style: chr6-1611475-C-CA.
Other names: short protein forms S266fs.
Identifiers: ClinVar variation 2756233 (VCV002756233.3), dbSNP rs2480504244, ClinGen allele CA2697546615.

ClinVar aggregate classification (germline): Pathogenic (1 of 4 stars; one submission).

Conditions:
Axenfeld-Rieger syndrome type 3 (RIEG3). Also called: AXENFELD-RIEGER ANOMALY WITH CARDIAC DEFECTS AND/OR SENSORINEURAL HEARING LOSS. Identifiers: Orphanet 782, MedGen C2678503, MONDO:0011233, OMIM 602482.

Submission:

Labcorp Genetics (formerly Invitae), Labcorp
Classification: Pathogenic for Axenfeld-Rieger syndrome type 3. Last evaluated: 2023-08-29. Review status: criteria provided, single submitter. Criteria: Invitae Variant Classification Sherloc (09022015). Collection method: clinical testing. Allele origin: germline.
Comment: This variant is not present in population databases (gnomAD no frequency). This sequence change creates a premature translational stop signal (p.Ser266Lysfs*40) in the FOXC1 gene. While this is not anticipated to result in nonsense mediated decay, it is expected to disrupt the last 288 amino acid(s) of the FOXC1 protein. For these reasons, this variant has been classified as Pathogenic. This variant disrupts a region of the FOXC1 protein in which other variant(s) (p.Ala381Glyfs*147) have been determined to be pathogenic (Invitae). This suggests that this is a clinically significant region of the protein, and that variants that disrupt it are likely to be disease-causing. This variant has not been reported in the literature in individuals affected with FOXC1-related conditions.